The following is an entry in ClinVar:

NM_000051.4(ATM):c.7262A>G (p.Lys2421Arg)

Genes: ATM (ATM serine/threonine kinase; plus strand), C11orf65 (chromosome 11 open reading frame 65; minus strand). Cytogenetic location: 11q22.3.
Variant type: single nucleotide variant.
Coding change: c.7262A>G on transcript NM_000051.4 (MANE Select); coding-DNA position 7262, A replaced by G.
Protein change: p.Lys2421Arg; replaces lysine 2421 with arginine.
Molecular consequence: missense variant. On other transcripts: intron variant (2).
Genome position (GRCh38, 1-based): chr11:108,329,193, A>G. VCF-style: chr11-108329193-A-G. GRCh37 (hg19) VCF-style: chr11-108199920-A-G.
Other names: c.7262A>G, p.Lys2421Arg (NM_001351834.2); c.641-20122T>C (NM_001330368.2); c.*38+6027T>C (NM_001351110.2); short protein forms K2421R.
Identifiers: ClinVar variation 1518401 (VCV001518401.9), dbSNP rs1360453074, ClinGen allele CA382559747.

ClinVar aggregate classification (germline): Uncertain significance. Review status: criteria provided, multiple submitters, no conflicts (2 of 4 stars). 2 submissions from 2 submitters: Uncertain significance (2). Last evaluated 2022-09-23.

Conditions:
Ataxia-telangiectasia syndrome (AT). Also called: LOUIS-BAR SYNDROME; Cerebello-oculocutaneous telangiectasia; Immunodeficiency with ataxia telangiectasia; Ataxia telangiectasia (A-T); Ataxia-telangiectasia, complementation group D; AT, COMPLEMENTATION GROUP C. Identifiers: Orphanet 100, MedGen C0004135, MONDO:0008840, OMIM 208900.
Hereditary cancer-predisposing syndrome. Also called: Neoplastic Syndromes, Hereditary; Tumor predisposition; Hereditary Cancer Syndrome; Hereditary neoplastic syndrome. Identifiers: Orphanet 140162, MedGen C0027672, MeSH D009386, MONDO:0015356.

Submissions (2):

Labcorp Genetics (formerly Invitae), Labcorp
Classification: Uncertain significance for Ataxia-telangiectasia syndrome. Last evaluated: 2022-09-23. Review status: criteria provided, single submitter. Criteria: Invitae Variant Classification Sherloc (09022015). Collection method: clinical testing. Allele origin: germline.
Comment: In summary, the available evidence is currently insufficient to determine the role of this variant in disease. Therefore, it has been classified as a Variant of Uncertain Significance. Algorithms developed to predict the effect of missense changes on protein structure and function (SIFT, PolyPhen-2, Align-GVGD) all suggest that this variant is likely to be tolerated. ClinVar contains an entry for this variant (Variation ID: 1518401). This variant has not been reported in the literature in individuals affected with ATM-related conditions. This variant is not present in population databases (gnomAD no frequency). This sequence change replaces lysine, which is basic and polar, with arginine, which is basic and polar, at codon 2421 of the ATM protein (p.Lys2421Arg).

Ambry Genetics
Classification: Uncertain significance for Hereditary cancer-predisposing syndrome. Last evaluated: 2021-11-30. Review status: criteria provided, single submitter. Criteria: Ambry Variant Classification Scheme 2023. Collection method: clinical testing. Allele origin: germline.
Comment: The p.K2421R variant (also known as c.7262A>G), located in coding exon 48 of the ATM gene, results from an A to G substitution at nucleotide position 7262. The lysine at codon 2421 is replaced by arginine, an amino acid with highly similar properties. This amino acid position is conserved. In addition, the in silico prediction for this alteration is inconclusive. Since supporting evidence is limited at this time, the clinical significance of this alteration remains unclear.